The following is an entry in ClinVar:

NM_020975.6(RET):c.371A>G (p.Lys124Arg)

Gene: RET (ret proto-oncogene; plus strand). Cytogenetic location: 10q11.21.
Variant type: single nucleotide variant.
Coding change: c.371A>G on transcript NM_020975.6 (MANE Select); coding-DNA position 371, A replaced by G.
Protein change: p.Lys124Arg; replaces lysine 124 with arginine.
Molecular consequence: missense variant.
Genome position (GRCh38, 1-based): chr10:43,102,375, A>G. VCF-style: chr10-43102375-A-G. GRCh37 (hg19) VCF-style: chr10-43597823-A-G.
Other names: c.371A>G, p.Lys124Arg (NM_000323.2, NM_001406743.1, NM_001406744.1 and 16 more transcripts); short protein forms K124R.
Identifiers: ClinVar variation 1369408 (VCV001369408.11), dbSNP rs773868504, ClinGen allele CA376770682.

ClinVar aggregate classification (germline): Uncertain significance. Review status: criteria provided, multiple submitters, no conflicts (2 of 4 stars). 3 submissions from 3 submitters: Uncertain significance (3). Last evaluated 2026-07-28.

Conditions:
Hereditary cancer-predisposing syndrome. Also called: Hereditary Cancer Syndrome; Neoplastic Syndromes, Hereditary; Hereditary neoplastic syndrome; Tumor predisposition. Identifiers: Orphanet 140162, MedGen C0027672, MeSH D009386, MONDO:0015356.
Multiple endocrine neoplasia, type 2 (MEN2). Identifiers: Orphanet 653, MedGen C4048306, MONDO:0019003. Disease mechanism: gain of function.

Submissions (3):

Ambry Genetics
Classification: Uncertain significance for Hereditary cancer-predisposing syndrome. Last evaluated: 2026-07-28. Review status: criteria provided, single submitter. Criteria: Ambry Variant Classification Scheme 2023. Collection method: clinical testing. Allele origin: germline.
Comment: The p.K124R variant (also known as c.371A>G), located in coding exon 3 of the RET gene, results from an A to G substitution at nucleotide position 371. The lysine at codon 124 is replaced by arginine, an amino acid with highly similar properties. This amino acid position is conserved. In addition, this alteration is predicted to be tolerated by in silico analysis. Based on the available evidence, the clinical significance of this variant remains unclear.

All of Us Research Program, National Institutes of Health
Classification: Uncertain significance for Multiple endocrine neoplasia, type 2. Last evaluated: 2024-07-20. Review status: criteria provided, single submitter. Criteria: ACMG Guidelines, 2015. Collection method: clinical testing. Allele origin: germline. Inheritance: Autosomal dominant inheritance. Observed: 1 variant allele, 1 heterozygote.
Comment: This missense variant replaces lysine with arginine at codon 124 of the RET protein. Computational prediction suggests that this variant may not impact protein structure and function (internally defined REVEL score threshold <= 0.5, PMID: 27666373). To our knowledge, functional studies have not been reported for this variant. This variant has not been reported in individuals affected with RET-related disorders in the literature. This variant has not been identified in the general population by the Genome Aggregation Database (gnomAD). The available evidence is insufficient to determine the role of this variant in disease conclusively. Therefore, this variant is classified as a Variant of Uncertain Significance.

This study involves interpretation of variants in research participants for the purpose of population health screening. Participant phenotype was not available at the time of variant classification. Additional details can be found in publication PMID: 35346344, PMCID: PMC8962531

Labcorp Genetics (formerly Invitae), Labcorp
Classification: Uncertain significance for Multiple endocrine neoplasia, type 2. Last evaluated: 2021-07-27. Review status: criteria provided, single submitter. Criteria: Invitae Variant Classification Sherloc (09022015). Collection method: clinical testing. Allele origin: germline.
Comment: This sequence change replaces lysine with arginine at codon 124 of the RET protein (p.Lys124Arg). The lysine residue is weakly conserved and there is a small physicochemical difference between lysine and arginine. In summary, the available evidence is currently insufficient to determine the role of this variant in disease. Therefore, it has been classified as a Variant of Uncertain Significance. Algorithms developed to predict the effect of sequence changes on RNA splicing suggest that this variant may create or strengthen a splice site. Algorithms developed to predict the effect of missense changes on protein structure and function output the following: SIFT: "Tolerated"; PolyPhen-2: "Benign"; Align-GVGD: "Class C0". The arginine amino acid residue is found in multiple mammalian species, which suggests that this missense change does not adversely affect protein function. This variant has not been reported in the literature in individuals affected with RET-related conditions. This variant is not present in population databases (ExAC no frequency).